The following is an entry in ClinVar:

NM_014991.6(WDFY3):c.3027A>G (p.Val1009=)

Gene: WDFY3 (WD repeat and FYVE domain containing 3; minus strand). Cytogenetic location: 4q21.23.
Variant type: single nucleotide variant.
Coding change: c.3027A>G on transcript NM_014991.6 (MANE Select); coding-DNA position 3027, A replaced by G.
Protein change: p.Val1009=; no amino-acid change (valine 1009 retained).
Molecular consequence: synonymous variant.
Genome position (GRCh38, 1-based): chr4:84,796,661, T>C on the plus strand (A>G on the coding strand, the complement: WDFY3 is on the minus strand). VCF-style: chr4-84796661-T-C. GRCh37 (hg19) VCF-style: chr4-85717814-T-C.
Identifiers: ClinVar variation 4084744 (VCV004084744.8).

ClinVar aggregate classification (germline): Likely benign (1 of 4 stars; one submission).

Submission:

CeGaT Center for Human Genetics Tuebingen
Classification: Likely benign. Last evaluated: 2025-07-01. Review status: criteria provided, single submitter. Criteria: CeGaT Center For Human Genetics Tuebingen Variant Classification Criteria Version 2. Collection method: clinical testing. Allele origin: germline. Affected: yes. Observed: 1 variant allele.
Comment: WDFY3: PM2:Supporting, BP4, BP7